The following is an entry in ClinVar:

NM_001130987.2(DYSF):c.2002del (p.Leu668fs)

Gene: DYSF (dysferlin; plus strand). Cytogenetic location: 2p13.2.
Variant type: Deletion.
Coding change: c.2002del on transcript NM_001130987.2 (MANE Select); coding-DNA position 2002, one base deleted (C; older notation c.2002delC).
Protein change: p.Leu668fs; shifts the reading frame from leucine 668.
Molecular consequence: frameshift variant.
Genome position (GRCh38, 1-based): chr2:71,553,824, C deleted; the last of 2 consecutive C bases (chr2:71,553,823-71,553,824); deleting either gives the same sequence. VCF-style (leftmost placement, unchanged base first): chr2-71553822-AC-A. GRCh37 (hg19) VCF-style: chr2-71780952-AC-A.
Other names: NM_001130987.2(DYSF):c.2002del; p.Leu668fs; c.1951del, p.Leu651fs (NM_001130455.2, NM_001130983.2); c.1906del, p.Leu636fs (NM_001130976.2, NM_001130977.2); c.1948del, p.Leu650fs (NM_001130978.2, NM_003494.4); c.2041del, p.Leu681fs (NM_001130979.2); c.1999del, p.Leu667fs (NM_001130980.2, NM_001130981.2); c.2044del, p.Leu682fs (NM_001130982.2); and 2 more; short protein forms L637fs, L667fs, L682fs, L636fs, L650fs, L668fs, L651fs, L681fs.
Identifiers: ClinVar variation 2734216 (VCV002734216.4), dbSNP rs2545694567, ClinGen allele CA1139532911.

ClinVar aggregate classification (germline): Pathogenic. Review status: reviewed by expert panel (3 of 4 stars). 2 submissions from 2 submitters: Pathogenic (1). 1 of the submissions does not count toward it. Last evaluated 2025-01-08.

Conditions:
Autosomal recessive limb-girdle muscular dystrophy. Identifiers: Orphanet 102015, MedGen C2931907, MONDO:0015152.
Neuromuscular disease caused by qualitative or quantitative defects of dysferlin. Also called: Qualitative or quantitative defects of dysferlin; Dysferlinopathy. Identifiers: Orphanet 207073, MedGen C2931687, MONDO:0016145.

Submissions (2):

ClinGen Limb Girdle Muscular Dystrophy Variant Curation Expert Panel, ClinGen
Classification: Pathogenic for Autosomal recessive limb-girdle muscular dystrophy. Last evaluated: 2025-01-08. Review status: reviewed by expert panel. Criteria: ClinGen LGMD VCEP ACMG Specifications DYSF V1.0.0. Collection method: curation. Allele origin: germline. Inheritance: Autosomal recessive inheritance.
Comment: The NM_003494.4: c.1948del p.(Leu650TyrfsTer6) variant in DYSF, which is also known as NM_001130987.2: c.2002del p.(Leu668TyrfsTer6), is a frameshift variant predicted to cause a premature stop codon in biologically relevant exon 21/55, leading to nonsense mediated decay in a gene in which loss of function is an established disease mechanism (PVS1). This variant has been detected in at least three unrelated individuals with clinical signs of limb girdle muscular dystrophy, including in a homozygous state in two patients (0.5 pts, PMID: 18853459, 19309282) and in trans with a pathogenic variant in one patient (c.2643+1G>A, 1.0 pt, PMID: 36983702) (PM3). At least one of these patients displayed progressive limb girdle muscle weakness and absent dysferlin protein expression, which is highly specific for DYSF-associated LGMD (PP4_Strong, PMID: 36983702, 19309282). This variant is absent from gnomAD v2.1.1 and v3.1.2 (PM2_Supporting). In summary, this variant meets the criteria to be classified as Pathogenic for autosomal recessive limb girdle muscular dystrophy based on the ACMG/AMP criteria applied, as specified by the ClinGen LGMD VCEP (LGMD VCEP specifications version 1.0.0; 01/08/2025): PVS1, PM3, PP4_Strong, PM2_Supporting.

Labcorp Genetics (formerly Invitae), Labcorp
Classification: Pathogenic for Neuromuscular disease caused by qualitative or quantitative defects of dysferlin. Last evaluated: 2025-05-21. Review status: criteria provided, single submitter. Criteria: Invitae Variant Classification Sherloc (09022015). Collection method: clinical testing. Allele origin: germline. Not counted in ClinVar's aggregate classification.
Comment: This sequence change creates a premature translational stop signal (p.Leu650Tyrfs*6) in the DYSF gene. It is expected to result in an absent or disrupted protein product. Loss-of-function variants in DYSF are known to be pathogenic (PMID: 17698709, 20301480). This variant is not present in population databases (gnomAD no frequency). This premature translational stop signal has been observed in individual(s) with DYSF-related conditions (PMID: 18853459, 19309282). ClinVar contains an entry for this variant (Variation ID: 2734216). For these reasons, this variant has been classified as Pathogenic.

Literature cited by the submitters: PubMed 17698709 (cited by Labcorp Genetics (formerly Invitae), Labcorp); PubMed 20301480 (cited by Labcorp Genetics (formerly Invitae), Labcorp); PubMed 18853459 (cited by Labcorp Genetics (formerly Invitae), Labcorp); PubMed 19309282 (cited by Labcorp Genetics (formerly Invitae), Labcorp).